The following is an entry in ClinVar:

NM_000059.4(BRCA2):c.8299C>A (p.Pro2767Thr)

Gene: BRCA2 (BRCA2 DNA repair associated; plus strand). Cytogenetic location: 13q13.1.
Variant type: single nucleotide variant.
Coding change: c.8299C>A on transcript NM_000059.4 (MANE Select); coding-DNA position 8299, C replaced by A.
Protein change: p.Pro2767Thr; replaces proline 2767 with threonine.
Molecular consequence: missense variant.
Genome position (GRCh38, 1-based): chr13:32,363,501, C>A. VCF-style: chr13-32363501-C-A. GRCh37 (hg19) VCF-style: chr13-32937638-C-A.
Other names: short protein forms P2767T.
Identifiers: ClinVar variation 648614 (VCV000648614.8), dbSNP rs587782619, ClinGen allele CA387750162.

ClinVar aggregate classification (germline): Uncertain significance. Review status: criteria provided, multiple submitters, no conflicts (2 of 4 stars). 2 submissions from 2 submitters: Uncertain significance (2). Last evaluated 2023-12-09.

Conditions:
Hereditary cancer-predisposing syndrome. Also called: Neoplastic Syndromes, Hereditary; Tumor predisposition; Hereditary Cancer Syndrome; Hereditary neoplastic syndrome. Identifiers: Orphanet 140162, MedGen C0027672, MeSH D009386, MONDO:0015356.
Hereditary breast ovarian cancer syndrome. Also called: Breast and ovarian cancer; BRCA1- and BRCA2-Associated Hereditary Breast and Ovarian Cancer; Hereditary breast and ovarian cancer; Hereditary breast and ovarian cancer syndrome (HBOC); Hereditary breast and/or ovarian cancer syndrome; Hereditary breast and ovarian cancer syndrome. Identifiers: Orphanet 145, MedGen C0677776, MeSH D061325, MONDO:0003582. Disease mechanism: loss of function.

gnomAD v4.1: 1 of 1,613,968 alleles (0.000062%); highest among the groups gnomAD compares: Non-Finnish European, 0.000085%; no homozygotes.

Submissions (2):

Ambry Genetics
Classification: Uncertain significance for Hereditary cancer-predisposing syndrome. Last evaluated: 2023-12-09. Review status: criteria provided, single submitter. Criteria: Ambry Variant Classification Scheme 2023. Collection method: clinical testing. Allele origin: germline.
Comment: The p.P2767T variant (also known as c.8299C>A), located in coding exon 17 of the BRCA2 gene, results from a C to A substitution at nucleotide position 8299. The proline at codon 2767 is replaced by threonine, an amino acid with highly similar properties. This amino acid position is highly conserved in available vertebrate species. In addition, this alteration is predicted to be deleterious by in silico analysis. Since supporting evidence is limited at this time, the clinical significance of this alteration remains unclear.

Labcorp Genetics (formerly Invitae), Labcorp
Classification: Uncertain significance for Hereditary breast ovarian cancer syndrome. Last evaluated: 2021-12-02. Review status: criteria provided, single submitter. Criteria: Invitae Variant Classification Sherloc (09022015). Collection method: clinical testing. Allele origin: germline.
Comment: This sequence change replaces proline, which is neutral and non-polar, with threonine, which is neutral and polar, at codon 2767 of the BRCA2 protein (p.Pro2767Thr). This variant is not present in population databases (gnomAD no frequency). This variant has not been reported in the literature in individuals affected with BRCA2-related conditions. ClinVar contains an entry for this variant (Variation ID: 648614). Advanced modeling of protein sequence and biophysical properties (such as structural, functional, and spatial information, amino acid conservation, physicochemical variation, residue mobility, and thermodynamic stability) performed at Invitae indicates that this missense variant is expected to disrupt BRCA2 protein function. In summary, the available evidence is currently insufficient to determine the role of this variant in disease. Therefore, it has been classified as a Variant of Uncertain Significance.